The following is an entry in ClinVar:

NM_000256.3(MYBPC3):c.3224C>G (p.Thr1075Ser)

Gene: MYBPC3 (myosin binding protein C3; minus strand). Cytogenetic location: 11p11.2.
Variant type: single nucleotide variant.
Coding change: c.3224C>G on transcript NM_000256.3 (MANE Select); coding-DNA position 3224, C replaced by G.
Protein change: p.Thr1075Ser; replaces threonine 1075 with serine.
Molecular consequence: missense variant.
Genome position (GRCh38, 1-based): chr11:47,333,300, G>C on the plus strand (C>G on the coding strand, the complement: MYBPC3 is on the minus strand). VCF-style: chr11-47333300-G-C. GRCh37 (hg19) VCF-style: chr11-47354851-G-C.
Other names: c.3224C>G, p.Thr1075Ser (LRG_386t1); short protein forms T1075S.
Identifiers: ClinVar variation 449612 (VCV000449612.19), dbSNP rs150786409, ClinGen allele CA221682555.

ClinVar aggregate classification (germline): Conflicting classifications of pathogenicity. Review status: criteria provided, conflicting classifications (1 of 4 stars). 10 submissions from 10 submitters: Uncertain significance (8); Likely benign (2). Last evaluated 2025-04-08.

Conditions:
Cardiovascular phenotype. Identifiers: MedGen CN230736.
Left ventricular noncompaction 10 (LVNC10). Identifiers: Orphanet 154, Orphanet 54260, MedGen C3715165, MONDO:0014163, OMIM 615396.
Hypertrophic cardiomyopathy 4. Also called: Familial hypertrophic cardiomyopathy 4. Identifiers: MedGen C1861862, MONDO:0007268, OMIM 115197.
Cardiomyopathy (CMYO). Also called: Cardiomyopathies. Identifiers: Orphanet 167848, MedGen C0878544, MONDO:0004994, HP:0001638. Inheritance: Various modes of inheritance.
Hypertrophic cardiomyopathy. Also called: HYPERTROPHIC MYOCARDIOPATHY. Identifiers: Orphanet 217569, MedGen C0007194, MeSH D002312, MONDO:0005045, HP:0001639.

Allele frequency attached by ClinVar (database versions not stated): gnomAD exomes below 0.00001; TOPMed 0.00001; 1000 Genomes Project 30x 0.00016; 1000 Genomes Project 0.00020.
gnomAD v4.1: 18 of 1,590,060 alleles (0.0011%); highest among the groups gnomAD compares: Middle Eastern, 0.033%; no homozygotes.

Submissions (10):

Molecular Diagnostic Laboratory for Inherited Cardiovascular Disease, Montreal Heart Institute
Classification: Uncertain significance for Cardiovascular phenotype. Last evaluated: 2025-04-08. Review status: criteria provided, single submitter. Criteria: ACMG Guidelines, 2015. Collection method: clinical testing. Allele origin: germline. Affected: yes.
Comment: PM2;BP4;BP5

Ambry Genetics
Classification: Likely benign for Cardiovascular phenotype. Last evaluated: 2024-12-19. Review status: criteria provided, single submitter. Criteria: Ambry Variant Classification Scheme 2023. Collection method: clinical testing. Allele origin: germline.

Blueprint Genetics
Classification: Likely benign. Last evaluated: 2024-07-08. Review status: criteria provided, single submitter. Criteria: ACMG Guidelines, 2015. Collection method: clinical testing. Allele origin: germline.

All of Us Research Program, National Institutes of Health
Classification: Uncertain significance for Hypertrophic cardiomyopathy. Last evaluated: 2024-02-22. Review status: criteria provided, single submitter. Criteria: ACMG Guidelines, 2015. Collection method: clinical testing. Allele origin: germline. Inheritance: Autosomal dominant inheritance. Observed: 3 variant alleles, 3 heterozygotes.
Comment: This missense variant replaces threonine with serine at codon 1075 of the MYBPC3 protein. Computational prediction suggests that this variant may not impact protein structure and function (internally defined REVEL score threshold <= 0.5, PMID: 27666373). To our knowledge, functional studies have not been reported for this variant. This variant has not been reported in individuals affected with cardiovascular disorders in the literature. This variant has been identified in 1/209906 chromosomes in the general population by the Genome Aggregation Database (gnomAD). The available evidence is insufficient to determine the role of this variant in disease conclusively. Therefore, this variant is classified as a Variant of Uncertain Significance.

This study involves interpretation of variants in research participants for the purpose of population health screening. Participant phenotype was not available at the time of variant classification. Additional details can be found in publication PMID: 35346344, PMCID: PMC8962531

Color Diagnostics, LLC DBA Color Health
Classification: Uncertain significance for Cardiomyopathy. Last evaluated: 2024-02-07. Review status: criteria provided, single submitter. Criteria: ACMG Guidelines, 2015. Collection method: clinical testing. Allele origin: germline.
Comment: This missense variant replaces threonine with serine at codon 1075 of the MYBPC3 protein. Computational prediction tools indicate that this variant has a neutral impact on protein structure and function. To our knowledge, functional studies have not been reported for this variant. This variant has not been reported in individuals affected with MYBPC3-related disorders in the literature. This variant has been identified in 1/209906 chromosomes in the general population by the Genome Aggregation Database (gnomAD). The available evidence is insufficient to determine the role of this variant in disease conclusively. Therefore, this variant is classified as a Variant of Uncertain Significance.

Labcorp Genetics (formerly Invitae), Labcorp
Classification: Uncertain significance for Hypertrophic cardiomyopathy. Last evaluated: 2022-03-28. Review status: criteria provided, single submitter. Criteria: Invitae Variant Classification Sherloc (09022015). Collection method: clinical testing. Allele origin: germline.
Comment: This sequence change replaces threonine, which is neutral and polar, with serine, which is neutral and polar, at codon 1075 of the MYBPC3 protein (p.Thr1075Ser). This variant is present in population databases (rs150786409, gnomAD 0.001%). This variant has not been reported in the literature in individuals affected with MYBPC3-related conditions. ClinVar contains an entry for this variant (Variation ID: 449612). Algorithms developed to predict the effect of missense changes on protein structure and function (SIFT, PolyPhen-2, Align-GVGD) all suggest that this variant is likely to be tolerated. Studies have shown that this missense change alters mRNA splicing and is expected to lead to the loss of protein expression (PMID: 28679633). In summary, the available evidence is currently insufficient to determine the role of this variant in disease. Therefore, it has been classified as a Variant of Uncertain Significance.

Fulgent Genetics
Classification: Uncertain significance for Hypertrophic cardiomyopathy 4; Left ventricular noncompaction 10. Last evaluated: 2021-10-08. Review status: criteria provided, single submitter. Criteria: ACMG Guidelines, 2015. Collection method: clinical testing. Allele origin: unknown.

GeneDx
Classification: Uncertain significance. Last evaluated: 2020-07-10. Review status: criteria provided, single submitter. Criteria: GeneDx Variant Classification Process June 2021. Collection method: clinical testing. Allele origin: germline. Affected: yes.
Comment: Reported in ClinVar as a variant of uncertain significance (ClinVar Variant ID# 449612; Landrum et al., 2016); Not observed at a significant frequency in large population cohorts (Lek et al., 2016); At the protein level, in silico analysis supports that this missense variant does not alter protein structure/function; At the mRNA level, in silico analysis, which includes splice predictors and evolutionary conservation, suggests this variant may impact gene splicing. A cell-based minigene splicing assay performed by Ito et al. (2017) indicated stabilization of the normal splice site, however, additional RNA/functional studies are needed to determine the actual effect of this sequence change.; This variant is associated with the following publications: (PMID: 22763267, 28679633)

CHEO Genetics Diagnostic Laboratory, Children's Hospital of Eastern Ontario
Classification: Uncertain significance for Cardiomyopathy. Last evaluated: 2016-04-26. Review status: criteria provided, single submitter. Criteria: ACMG Guidelines, 2015. Collection method: clinical testing. Allele origin: germline. Study: Canadian Open Genetics Repository.

Breakthrough Genomics
Classification: Uncertain significance. Review status: criteria provided, single submitter. Criteria: ACMG Guidelines, 2015. Collection method: not provided. Allele origin: germline. Inheritance: Autosomal recessive inheritance. Affected: yes.

Literature cited by the submitters: PubMed 35653365 (cited by Ambry Genetics); PubMed 28679633 (cited by Labcorp Genetics (formerly Invitae), Labcorp).